The following is an entry in ClinVar:

ClinVar aggregate classification (germline): Pathogenic (1 of 4 stars; one submission).

Submission:

GeneDx
Classification: Pathogenic. Last evaluated: 2024-07-26. Review status: criteria provided, single submitter. Criteria: GeneDx Variant Classification Process June 2021. Collection method: clinical testing. Allele origin: germline. Affected: yes.
Comment: Has not been previously published as pathogenic or benign to our knowledge; Frameshift variant predicted to result in protein truncation or nonsense mediated decay in a gene for which loss-of-function is a known mechanism of disease; Not observed at significant frequency in large population cohorts (gnomAD)

NM_000138.5(FBN1):c.5314del (p.Glu1772fs)

Gene: FBN1 (fibrillin 1; minus strand). Cytogenetic location: 15q21.1.
Variant type: Deletion.
Coding change: c.5314del on transcript NM_000138.5 (MANE Select); coding-DNA position 5314, one base deleted (G; older notation c.5314delG).
Protein change: p.Glu1772fs; shifts the reading frame from glutamic acid 1772.
Molecular consequence: frameshift variant.
Genome position (GRCh38, 1-based): chr15:48,456,745, C deleted on the plus strand (G on the coding strand, the reverse complement: FBN1 is on the minus strand); the first of 3 consecutive C bases (chr15:48,456,745-48,456,747); deleting any one gives the same sequence. VCF-style (leftmost placement, unchanged base first): chr15-48456744-TC-T. GRCh37 (hg19) VCF-style: chr15-48748941-TC-T.
Other names: c.5312delG, p.Glu1772Argfs (NM_000138.4); c.5314del, p.Glu1772fs (NM_001406716.1); short protein forms E1772fs.
Identifiers: ClinVar variation 3600633 (VCV003600633.1).